The following is an entry in ClinVar:

ClinVar aggregate classification (germline): Uncertain significance. Review status: criteria provided, multiple submitters, no conflicts (2 of 4 stars). 2 submissions from 2 submitters: Uncertain significance (2). Last evaluated 2022-09-07.

Conditions:
Inborn genetic diseases. Identifiers: MedGen C0950123, MeSH D030342.
Optic atrophy 3 (OPA3). Also called: OPTIC ATROPHY 3, AUTOSOMAL DOMINANT; Optic atrophy, cataract, and neurologic disorder; Optic atrophy 3 with cataract. Identifiers: Orphanet 67036, MedGen C1833809, MONDO:0008133, OMIM 165300.
3-Methylglutaconic aciduria type 3 (MGCA3). Also called: OPA3, AUTOSOMAL RECESSIVE; OPTIC ATROPHY 3, AUTOSOMAL RECESSIVE; OPA3-Related 3-Methylglutaconic Aciduria; Costeff Syndrome. Identifiers: Orphanet 67047, MedGen C0574084, MONDO:0009787, OMIM 258501.

Allele frequency attached by ClinVar (database versions not stated): gnomAD exomes below 0.00001; TOPMed 0.00001.
gnomAD v4.1: 2 of 1,614,122 alleles (0.00012%); highest among the groups gnomAD compares: African/African-American, 0.0013%; no homozygotes.

Submissions (2):

Ambry Genetics
Classification: Uncertain significance for Inborn genetic diseases. Last evaluated: 2022-09-07. Review status: criteria provided, single submitter. Criteria: Ambry Variant Classification Scheme 2023. Collection method: clinical testing. Allele origin: germline.

Labcorp Genetics (formerly Invitae), Labcorp
Classification: Uncertain significance for 3-Methylglutaconic aciduria type 3; Optic atrophy 3. Last evaluated: 2022-07-13. Review status: criteria provided, single submitter. Criteria: Invitae Variant Classification Sherloc (09022015). Collection method: clinical testing. Allele origin: germline.
Comment: This sequence change replaces methionine, which is neutral and non-polar, with isoleucine, which is neutral and non-polar, at codon 8 of the OPA3 protein (p.Met8Ile). This variant is not present in population databases (gnomAD no frequency). This variant has not been reported in the literature in individuals affected with OPA3-related conditions. Algorithms developed to predict the effect of missense changes on protein structure and function output the following: SIFT: "Tolerated"; PolyPhen-2: "Benign"; Align-GVGD: "Class C0". The isoleucine amino acid residue is found in multiple mammalian species, which suggests that this missense change does not adversely affect protein function. Algorithms developed to predict the effect of sequence changes on RNA splicing suggest that this variant may create or strengthen a splice site. In summary, the available evidence is currently insufficient to determine the role of this variant in disease. Therefore, it has been classified as a Variant of Uncertain Significance.

NM_025136.4(OPA3):c.24G>A (p.Met8Ile)

Genes: OPA3 (outer mitochondrial membrane lipid metabolism regulator OPA3; minus strand), OPA3-RTN2 (OPA3-RTN2 readthrough; minus strand), LOC130064709 (ATAC-STARR-seq lymphoblastoid active region 14802; plus strand). Cytogenetic location: 19q13.32.
Variant type: single nucleotide variant.
Coding change: c.24G>A on transcript NM_025136.4 (MANE Select); coding-DNA position 24, G replaced by A.
Protein change: p.Met8Ile; replaces methionine 8 with isoleucine.
Molecular consequence: missense variant.
Genome position (GRCh38, 1-based): chr19:45,584,741, C>T on the plus strand (G>A on the coding strand, the complement: OPA3 is on the minus strand). VCF-style: chr19-45584741-C-T. GRCh37 (hg19) VCF-style: chr19-46087999-C-T.
Other names: c.24G>A, p.Met8Ile (NM_001017989.3); c.24G>A (NM_025136.3); short protein forms M8I.
Identifiers: ClinVar variation 2182154 (VCV002182154.2), dbSNP rs1969908021, ClinGen allele CA406378973.
Genomic context (GRCh38, chr19:45,584,741, plus strand): 5'-CTTAATACGGTTGGCAAGCGGCTTGCTGACCTGCCGGATGCCCAAGTATAGCAGCTTCGC[C>T]ATAGGGAACGCGCCCACCACCATCTTGGCGGTCTCACAGGGCACGCGCAACCTTGCTGAC-3'
Protein context (NP_079412.1, residues 1-18): MVVGAFP[Met8Ile]AKLLYLGIRQ